The following is an entry in ClinVar:

ClinVar aggregate classification (germline): Likely benign. Review status: criteria provided, multiple submitters, no conflicts (2 of 4 stars). 4 submissions from 4 submitters: Likely benign (4). Last evaluated 2026-08-24.

Conditions:
FLCN-related disorder. Also called: FLCN-related condition.
Birt-Hogg-Dube syndrome. Also called: Birt Hogg Dubé syndrome. Identifiers: Orphanet 122, MedGen C0346010, MONDO:0800444.
Hereditary cancer-predisposing syndrome. Also called: Hereditary neoplastic syndrome; Hereditary Cancer Syndrome; Neoplastic Syndromes, Hereditary; Tumor predisposition. Identifiers: Orphanet 140162, MedGen C0027672, MeSH D009386, MONDO:0015356.

Allele frequency attached by ClinVar (database versions not stated): TOPMed below 0.00001.

Submissions (4):

PreventionGenetics, part of Exact Sciences
Classification: Likely benign for FLCN-related condition. Last evaluated: 2026-08-24. Review status: criteria provided, single submitter. Criteria: ACMG Guidelines, 2015. Collection method: clinical testing. Allele origin: germline.
Comment: This variant is classified as likely benign based on ACMG/AMP sequence variant interpretation guidelines (Richards et al. 2015 PMID: 25741868, with internal and published modifications).

Labcorp Genetics (formerly Invitae), Labcorp
Classification: Likely benign for Birt-Hogg-Dube syndrome. Last evaluated: 2025-07-13. Review status: criteria provided, single submitter. Criteria: Invitae Variant Classification Sherloc (09022015). Collection method: clinical testing. Allele origin: germline.

Ambry Genetics
Classification: Likely benign for Hereditary cancer-predisposing syndrome. Last evaluated: 2025-01-18. Review status: criteria provided, single submitter. Criteria: Ambry Variant Classification Scheme 2023. Collection method: clinical testing. Allele origin: germline.

GeneDx
Classification: Likely benign. Last evaluated: 2018-01-08. Review status: criteria provided, single submitter. Criteria: GeneDx Variant Classification (06012015). Collection method: clinical testing. Allele origin: germline. Affected: yes.
Comment: This variant is considered likely benign or benign based on one or more of the following criteria: it is a conservative change, it occurs at a poorly conserved position in the protein, it is predicted to be benign by multiple in silico algorithms, and/or has population frequency not consistent with disease.

NM_144997.7(FLCN):c.954A>G (p.Glu318=)

Gene: FLCN (folliculin; minus strand). Cytogenetic location: 17p11.2.
Variant type: single nucleotide variant.
Coding change: c.954A>G on transcript NM_144997.7 (MANE Select); coding-DNA position 954, A replaced by G.
Protein change: p.Glu318=; no amino-acid change (glutamic acid 318 retained).
Molecular consequence: synonymous variant.
Genome position (GRCh38, 1-based): chr17:17,219,127, T>C on the plus strand (A>G on the coding strand, the complement: FLCN is on the minus strand). VCF-style: chr17-17219127-T-C. GRCh37 (hg19) VCF-style: chr17-17122441-T-C.
Other names: c.1008A>G, p.Glu336= (NM_001353229.2); c.954A>G, p.Glu318= (NM_001353230.2, NM_001353231.2); c.954A>G (LRG_325t1).
Identifiers: ClinVar variation 514581 (VCV000514581.6), dbSNP rs1555608573, ClinGen allele CA498163569.